The following is an entry in ClinVar:

NM_152419.3(HGSNAT):c.*1231G>A

Gene: HGSNAT (heparan-alpha-glucosaminide N-acetyltransferase; plus strand). Cytogenetic location: 8p11.1.
Variant type: single nucleotide variant.
Coding change: c.*1231G>A on transcript NM_152419.3 (MANE Select); 1231 bases downstream of the stop codon, G replaced by A.
Molecular consequence: 3 prime UTR variant.
Genome position (GRCh38, 1-based): chr8:43,200,800, G>A. VCF-style: chr8-43200800-G-A. GRCh37 (hg19) VCF-style: chr8-43055943-G-A.
Other names: c.*1231G>A (NM_001363227.2, NM_001363228.2, NM_001363229.2).
Identifiers: ClinVar variation 363167 (VCV000363167.6), dbSNP rs61743005, ClinGen allele CA10631156.

ClinVar aggregate classification (germline): Benign. Review status: criteria provided, multiple submitters, no conflicts (2 of 4 stars). 2 submissions from 2 submitters: Benign (2). Last evaluated 2018-01-13.

Conditions:
Mucopolysaccharidosis, MPS-III-C (MPS3C). Also called: MUCOPOLYSACCHARIDOSIS, TYPE IIIC; Mucopolysaccharidosis type IIIC (Sanfilippo C); MPS IIIC (Sanfilippo Syndrome Type C); SANFILIPPO SYNDROME C; mucopolysaccharidosis type 3C; MPS III C. Identifiers: Orphanet 581, Orphanet 79271, MedGen C0086649, MONDO:0009657, OMIM 252930.

Allele frequency attached by ClinVar (database versions not stated): gnomAD exomes 0.00556; gnomAD 0.03286 and 0.03511; 1000 Genomes Project 0.04034; TOPMed 0.03594; 1000 Genomes Project 30x 0.04294.

Submissions (2):

Illumina Laboratory Services, Illumina
Classification: Benign for Mucopolysaccharidosis, MPS-III-C. Last evaluated: 2018-01-13. Review status: criteria provided, single submitter. Criteria: ICSL Variant Classification Criteria 13 December 2019. Collection method: clinical testing. Allele origin: germline.
Comment: This variant was observed in the ICSL laboratory as part of a predisposition screen in an ostensibly healthy population. It had not been previously curated by ICSL or reported in the Human Gene Mutation Database (HGMD: prior to June 1st, 2018), and was therefore a candidate for classification through an automated scoring system. Utilizing variant allele frequency, disease prevalence and penetrance estimates, and inheritance mode, an automated score was calculated to assess if this variant is too frequent to cause the disease. Based on the score and internal cut-off values, a variant classified as benign is not then subjected to further curation. The score for this variant resulted in a classification of benign for this disease.

Breakthrough Genomics
Classification: Benign. Review status: criteria provided, single submitter. Criteria: ACMG Guidelines, 2015. Collection method: not provided. Allele origin: germline. Inheritance: Autosomal recessive inheritance. Affected: yes.